The following is an entry in ClinVar:

NM_000135.4(FANCA):c.3566G>T (p.Cys1189Phe)

Gene: FANCA (FA complementation group A; minus strand). Cytogenetic location: 16q24.3.
Variant type: single nucleotide variant.
Coding change: c.3566G>T on transcript NM_000135.4 (MANE Select); coding-DNA position 3566, G replaced by T.
Protein change: p.Cys1189Phe; replaces cysteine 1189 with phenylalanine.
Molecular consequence: missense variant.
Genome position (GRCh38, 1-based): chr16:89,745,019, C>A on the plus strand (G>T on the coding strand, the complement: FANCA is on the minus strand). VCF-style: chr16-89745019-C-A. GRCh37 (hg19) VCF-style: chr16-89811427-C-A.
Other names: c.3566G>T, p.Cys1189Phe (NM_001286167.3); c.3566G>T (NM_000135.3); short protein forms C1189F.
Identifiers: ClinVar variation 2051745 (VCV002051745.6), dbSNP rs905270538, ClinGen allele CA286623571.

ClinVar aggregate classification (germline): Conflicting classifications of pathogenicity. Review status: criteria provided, conflicting classifications (1 of 4 stars). 4 submissions from 4 submitters: Uncertain significance (3); Likely benign (1). Last evaluated 2025-07-22.

Conditions:
Inborn genetic diseases. Identifiers: MedGen C0950123, MeSH D030342.
Fanconi anemia (FA). Also called: Fanconi's anemia. Identifiers: Orphanet 84, MedGen C0015625, MeSH D005199, MONDO:0019391.

Allele frequency attached by ClinVar (database versions not stated): gnomAD exomes below 0.00001; TOPMed 0.00001; gnomAD 0.00007.
gnomAD v4.1: 16 of 1,610,662 alleles (0.00099%); highest among the groups gnomAD compares: Admixed American, 0.027%; no homozygotes.

Submissions (4):

Labcorp Genetics (formerly Invitae), Labcorp
Classification: Uncertain significance for Fanconi anemia. Last evaluated: 2025-07-22. Review status: criteria provided, single submitter. Criteria: Invitae Variant Classification Sherloc (09022015). Collection method: clinical testing. Allele origin: germline.
Comment: This sequence change replaces cysteine, which is neutral and slightly polar, with phenylalanine, which is neutral and non-polar, at codon 1189 of the FANCA protein (p.Cys1189Phe). The frequency data for this variant in the population databases is considered unreliable, as metrics indicate poor data quality at this position in the gnomAD database. This variant has not been reported in the literature in individuals affected with FANCA-related conditions. ClinVar contains an entry for this variant (Variation ID: 2051745). Invitae Evidence Modeling of protein sequence and biophysical properties (such as structural, functional, and spatial information, amino acid conservation, physicochemical variation, residue mobility, and thermodynamic stability) indicates that this missense variant is not expected to disrupt FANCA protein function with a negative predictive value of 95%. In summary, the available evidence is currently insufficient to determine the role of this variant in disease. Therefore, it has been classified as a Variant of Uncertain Significance.

Quest Diagnostics Nichols Institute San Juan Capistrano
Classification: Uncertain significance. Last evaluated: 2025-07-04. Review status: criteria provided, single submitter. Criteria: Quest Diagnostics criteria. Collection method: clinical testing. Allele origin: unknown.
Comment: The FANCA c.3566G>T (p.Cys1189Phe) variant has not been reported in individuals with FANCA-related conditions in the published literature. The frequency of this variant in the general population (Genome Aggregation Database) is uninformative in the assessment of its pathogenicity. Analysis of this variant using bioinformatics tools for the prediction of the effect of amino acid changes on protein structure and function yielded predictions that this variant is benign. Based on the available information, we are unable to determine the clinical significance of this variant.

Ambry Genetics
Classification: Uncertain significance for Inborn genetic diseases. Last evaluated: 2024-12-20. Review status: criteria provided, single submitter. Criteria: Ambry Variant Classification Scheme 2023. Collection method: clinical testing. Allele origin: germline.
Comment: The p.C1189F variant (also known as c.3566G>T), located in coding exon 36 of the FANCA gene, results from a G to T substitution at nucleotide position 3566. The cysteine at codon 1189 is replaced by phenylalanine, an amino acid with highly dissimilar properties. This amino acid position is conserved. In addition, this alteration is predicted to be tolerated by in silico analysis. Based on the available evidence, the clinical significance of this variant remains unclear.

Blueprint Genetics
Classification: Likely benign. Last evaluated: 2021-09-15. Review status: criteria provided, single submitter. Criteria: ACMG Guidelines, 2015. Collection method: clinical testing. Allele origin: germline.